The following is an entry in ClinVar:

ClinVar aggregate classification (germline): Benign. Review status: criteria provided, multiple submitters, no conflicts (2 of 4 stars). 3 submissions from 3 submitters: Benign (2). 1 of the submissions does not count toward it. Last evaluated 2026-02-04.

Conditions:
IRF4-related disorder. Also called: IRF4-related condition.

Allele frequency attached by ClinVar (database versions not stated): gnomAD 0.06519 and 0.06328; ESP Exome Variant Server 0.06812; 1000 Genomes Project 30x 0.06059; gnomAD exomes 0.06314; TOPMed 0.06545; ExAC 0.06591; 1000 Genomes Project 0.06030.
gnomAD v4.1: 108,214 of 1,613,628 alleles (6.7%); highest among the groups gnomAD compares: Middle Eastern, 9.2%; 3,854 homozygotes.

Submissions (3):

Labcorp Genetics (formerly Invitae), Labcorp
Classification: Benign. Last evaluated: 2026-02-04. Review status: criteria provided, single submitter. Criteria: Invitae Variant Classification Sherloc (09022015). Collection method: clinical testing. Allele origin: germline.

GeneDx
Classification: Benign. Last evaluated: 2021-06-20. Review status: criteria provided, single submitter. Criteria: GeneDx Variant Classification Process June 2021. Collection method: clinical testing. Allele origin: germline. Affected: yes.

PreventionGenetics, part of Exact Sciences
Classification: Benign for IRF4-related condition. Last evaluated: 2019-11-08. Review status: no assertion criteria provided. Collection method: clinical testing. Allele origin: germline. Not counted in ClinVar's aggregate classification.
Comment: This variant is classified as benign based on ACMG/AMP sequence variant interpretation guidelines (Richards et al. 2015 PMID: 25741868, with internal and published modifications).

NM_002460.4(IRF4):c.637+9G>A

Gene: IRF4 (interferon regulatory factor 4; plus strand). Cytogenetic location: 6p25.3.
Variant type: single nucleotide variant.
Coding change: c.637+9G>A on transcript NM_002460.4 (MANE Select); 9 bases into the intron after coding-DNA position 637, G replaced by A.
Molecular consequence: intron variant.
Genome position (GRCh38, 1-based): chr6:397,261, G>A. VCF-style: chr6-397261-G-A. GRCh37 (hg19) VCF-style: chr6-397261-G-A.
Other names: c.634+9G>A (NM_001195286.2); c.637+9G>A (NM_002460.3).
Identifiers: ClinVar variation 1169060 (VCV001169060.13), dbSNP rs34318727, ClinGen allele CA3612753.